The following is an entry in ClinVar:

NM_001080397.3(SLC45A1):c.1491G>A (p.Thr497=)

Gene: SLC45A1 (solute carrier family 45 member 1; plus strand). Cytogenetic location: 1p36.23.
Variant type: single nucleotide variant.
Coding change: c.1491G>A on transcript NM_001080397.3 (MANE Select); coding-DNA position 1491, G replaced by A.
Protein change: p.Thr497=; no amino-acid change (threonine 497 retained).
Molecular consequence: synonymous variant.
Genome position (GRCh38, 1-based): chr1:8,335,484, G>A. VCF-style: chr1-8335484-G-A. GRCh37 (hg19) VCF-style: chr1-8395544-G-A.
Other names: c.1491G>A, p.Thr497= (NM_001379614.1); c.1398G>A, p.Thr466= (NM_001379615.1, NM_001379616.1); c.885G>A, p.Thr295= (NM_001379617.1, NM_001379618.1).
Identifiers: ClinVar variation 2638153 (VCV002638153.24), dbSNP rs373481776, ClinGen allele CA570407.

ClinVar aggregate classification (germline): Likely benign (1 of 4 stars; one submission).

Allele frequency attached by ClinVar (database versions not stated): ExAC 0.00007; ESP Exome Variant Server 0.00008; TOPMed 0.00014; gnomAD 0.00017; gnomAD exomes 0.00019.
gnomAD v4.1: 298 of 1,601,350 alleles (0.019%); highest among the groups gnomAD compares: Non-Finnish European, 0.024%; no homozygotes.

Submission:

CeGaT Center for Human Genetics Tuebingen
Classification: Likely benign. Last evaluated: 2025-01-01. Review status: criteria provided, single submitter. Criteria: CeGaT Center For Human Genetics Tuebingen Variant Classification Criteria Version 2. Collection method: clinical testing. Allele origin: germline. Affected: yes. Observed: 2 variant alleles.
Comment: SLC45A1: BP4, BP7